The following is an entry in ClinVar:

ClinVar aggregate classification (germline): Benign/Likely benign. Review status: criteria provided, multiple submitters, no conflicts (2 of 4 stars). 8 submissions from 8 submitters: Benign (1); Likely benign (5). 2 of the submissions do not count toward it. Last evaluated 2026-01-28.

Conditions:
Junctional epidermolysis bullosa with pyloric atresia. Also called: EPIDERMOLYSIS BULLOSA, JUNCTIONAL 5B, WITH PYLORIC ATRESIA; Junctional Epidermolysis Bullosa- Pyloric Atresia Syndrome; APLASIA CUTIS CONGENITA WITH GASTROINTESTINAL ATRESIA; CARMI SYNDROME; EB-PA-ACC; ITGB4-Related Epidermolysis Bullosa with Pyloric Atresia. Identifiers: Orphanet 79403, MedGen C5676875, MONDO:0009183, OMIM 226730.

Allele frequency attached by ClinVar (database versions not stated): 1000 Genomes Project 30x 0.00062; 1000 Genomes Project 0.00060; gnomAD 0.00213; TOPMed 0.00283; ESP Exome Variant Server 0.00331.
gnomAD v4.1: 5,516 of 1,613,712 alleles (0.34%); highest among the groups gnomAD compares: Non-Finnish European, 0.44%; 12 homozygotes.

Submissions (8):

Labcorp Genetics (formerly Invitae), Labcorp
Classification: Benign. Last evaluated: 2026-01-28. Review status: criteria provided, single submitter. Criteria: Invitae Variant Classification Sherloc (09022015). Collection method: clinical testing. Allele origin: germline.

CeGaT Center for Human Genetics Tuebingen
Classification: Likely benign. Last evaluated: 2025-04-01. Review status: criteria provided, single submitter. Criteria: CeGaT Center For Human Genetics Tuebingen Variant Classification Criteria Version 2. Collection method: clinical testing. Allele origin: germline. Affected: yes. Observed: 3 variant alleles.
Comment: ITGB4: BP4, BS2

Blueprint Genetics
Classification: Likely benign. Last evaluated: 2024-11-27. Review status: criteria provided, single submitter. Criteria: ACMG Guidelines, 2015. Collection method: clinical testing. Allele origin: germline.

GeneDx
Classification: Likely benign. Last evaluated: 2020-11-25. Review status: criteria provided, single submitter. Criteria: GeneDx Variant Classification Process June 2021. Collection method: clinical testing. Allele origin: germline. Affected: yes.

Illumina Laboratory Services, Illumina
Classification: Likely benign for Junctional epidermolysis bullosa with pyloric atresia. Last evaluated: 2018-01-12. Review status: criteria provided, single submitter. Criteria: ICSL Variant Classification Criteria 13 December 2019. Collection method: clinical testing. Allele origin: germline.
Comment: This variant was observed in the ICSL laboratory as part of a predisposition screen in an ostensibly healthy population. It had not been previously curated by ICSL or reported in the Human Gene Mutation Database (HGMD: prior to June 1st, 2018), and was therefore a candidate for classification through an automated scoring system. Utilizing variant allele frequency, disease prevalence and penetrance estimates, and inheritance mode, an automated score was calculated to assess if this variant is too frequent to cause the disease. Based on the score and internal cut-off values, a variant classified as likely benign is not then subjected to further curation. The score for this variant resulted in a classification of likely benign for this disease.

Breakthrough Genomics
Classification: Likely benign. Review status: criteria provided, single submitter. Criteria: ACMG Guidelines, 2015. Collection method: not provided. Allele origin: germline. Inheritance: Autosomal recessive inheritance. Affected: yes.

Clinical Genetics DNA and cytogenetics Diagnostics Lab, Erasmus MC, Erasmus Medical Center
Classification: Likely benign. Review status: no assertion criteria provided. Collection method: clinical testing. Allele origin: germline. Affected: yes. Study: VKGL Data-share Consensus. Not counted in ClinVar's aggregate classification.

Genome Diagnostics Laboratory, University Medical Center Utrecht
Classification: Likely benign. Review status: no assertion criteria provided. Collection method: clinical testing. Allele origin: germline. Affected: yes. Study: VKGL Data-share Consensus. Not counted in ClinVar's aggregate classification.

NM_000213.5(ITGB4):c.3861C>T (p.Asn1287=)

Genes: GALK1 (galactokinase 1; minus strand), ITGB4 (integrin subunit beta 4; plus strand). Cytogenetic location: 17q25.1.
Variant type: single nucleotide variant.
Coding change: c.3861C>T on transcript NM_000213.5 (MANE Select); coding-DNA position 3861, C replaced by T.
Protein change: p.Asn1287=; no amino-acid change (asparagine 1287 retained).
Molecular consequence: synonymous variant. On other transcripts: intron variant (1).
Genome position (GRCh38, 1-based): chr17:75,752,241, C>T. VCF-style: chr17-75752241-C-T. GRCh37 (hg19) VCF-style: chr17-73748322-C-T.
Other names: c.3861C>T, p.Asn1287= (NM_001005619.2, NM_001005731.3, NM_001321123.2 and 1 more transcripts); c.*23-504G>A (NM_001381985.1).
Identifiers: ClinVar variation 325186 (VCV000325186.41), dbSNP rs145351926, ClinGen allele CA8769958.